The following is an entry in ClinVar:

NM_002292.4(LAMB2):c.3515G>A (p.Arg1172His)

Gene: LAMB2 (laminin subunit beta 2; minus strand). Cytogenetic location: 3p21.31.
Variant type: single nucleotide variant.
Coding change: c.3515G>A on transcript NM_002292.4 (MANE Select); coding-DNA position 3515, G replaced by A.
Protein change: p.Arg1172His; replaces arginine 1172 with histidine.
Molecular consequence: missense variant.
Genome position (GRCh38, 1-based): chr3:49,124,010, C>T on the plus strand (G>A on the coding strand, the complement: LAMB2 is on the minus strand). VCF-style: chr3-49124010-C-T. GRCh37 (hg19) VCF-style: chr3-49161443-C-T.
Other names: short protein forms R1172H.
Identifiers: ClinVar variation 3751712 (VCV003751712.2).
Genomic context (GRCh38, chr3:49,124,010, plus strand): 5'-GCATGGCAGGGATGGCAGGCAGGAAAGATTCCTGAGAAGCCACGGGCACACTGGTCACAG[C>T]GCACACCAGACACCCCTGGGCGGCAGCTGCAGTGACCTGTGAAGCGGTGACACTGAGGTG-3'
Protein context (NP_002283.3, residues 1162-1182): CSCRPGVSGV[Arg1172His]CDQCARGFSG

ClinVar aggregate classification (germline): Uncertain significance (1 of 4 stars; one submission).

Conditions:
LAMB2-related infantile-onset nephrotic syndrome. Also called: NEPHROTIC SYNDROME, TYPE 5, WITHOUT OCULAR ABNORMALITIES; NEPHROTIC SYNDROME, TYPE 5, WITH OCULAR ABNORMALITIES; Nephrotic Syndrome, type 5. Identifiers: Orphanet 306507, MedGen C3280113, MONDO:0013621, OMIM 614199.
Pierson syndrome. Also called: MICROCORIA-CONGENITAL NEPHROTIC SYNDROME. Identifiers: Orphanet 2670, MedGen C1836876, MONDO:0012184, OMIM 609049.

gnomAD v4.1: 20 of 1,613,478 alleles (0.0012%); highest among the groups gnomAD compares: Admixed American, 0.0067%; no homozygotes.

Submission:

Labcorp Genetics (formerly Invitae), Labcorp
Classification: Uncertain significance for LAMB2-related infantile-onset nephrotic syndrome; Pierson syndrome. Last evaluated: 2024-08-09. Review status: criteria provided, single submitter. Criteria: Invitae Variant Classification Sherloc (09022015). Collection method: clinical testing. Allele origin: germline.
Comment: This sequence change replaces arginine, which is basic and polar, with histidine, which is basic and polar, at codon 1172 of the LAMB2 protein (p.Arg1172His). This variant is present in population databases (rs547349180, gnomAD 0.008%). This variant has not been reported in the literature in individuals affected with LAMB2-related conditions. An algorithm developed to predict the effect of missense changes on protein structure and function (PolyPhen-2) suggests that this variant is likely to be disruptive. In summary, the available evidence is currently insufficient to determine the role of this variant in disease. Therefore, it has been classified as a Variant of Uncertain Significance.